The following is an entry in ClinVar:

ClinVar aggregate classification (germline): Uncertain significance (1 of 4 stars; one submission).

Conditions:
Autosomal recessive nonsyndromic hearing loss 35. Identifiers: Orphanet 90636, MedGen C1837857, MONDO:0012060, OMIM 608565.

Submission:

3billion
Classification: Uncertain significance for Autosomal recessive nonsyndromic hearing loss 35. Last evaluated: 2024-07-24. Review status: criteria provided, single submitter. Criteria: ACMG Guidelines, 2015. Collection method: clinical testing. Allele origin: germline. Affected: yes.
Comment: The variant is not observed in the gnomAD v4.0.0 dataset. Predicted Consequence/Location: Intron variant In silico tools predict the variant to alter splicing and produce an abnormal transcript [SpliceAI: 0.37 (>=0.2, moderate evidence for spliceogenicity)]. Therefore, this variant is classified as VUS according to the recommendation of ACMG/AMP guideline.

NM_001379180.1(ESRRB):c.1120+5G>A

Gene: ESRRB (estrogen related receptor beta; plus strand). Cytogenetic location: 14q24.3.
Variant type: single nucleotide variant.
Coding change: c.1120+5G>A on transcript NM_001379180.1 (MANE Select); 5 bases into the intron after coding-DNA position 1120, G replaced by A.
Molecular consequence: intron variant.
Genome position (GRCh38, 1-based): chr14:76,491,721, G>A. VCF-style: chr14-76491721-G-A. GRCh37 (hg19) VCF-style: chr14-76958064-G-A.
Other names: c.1072+5G>A (NM_001411038.1); c.1057+5G>A (NM_004452.4).
Identifiers: ClinVar variation 4072259 (VCV004072259.1).